The following is an entry in ClinVar:

ClinVar aggregate classification (germline): Conflicting classifications of pathogenicity. Review status: criteria provided, conflicting classifications (1 of 4 stars). 4 submissions from 4 submitters: Uncertain significance (1); Likely benign (3). Last evaluated 2026-01-01.

Conditions:
Charcot-Marie-Tooth disease type 4. Also called: Charcot-Marie-Tooth disease, type IV; Charcot-Marie-Tooth, Type 4. Identifiers: Orphanet 64749, MedGen C4082197, MONDO:0018995.
SH3TC2-related disorder. Also called: SH3TC2-related disorders; SH3TC2-related condition. Identifiers: MedGen CN239303.
Inborn genetic diseases. Identifiers: MedGen C0950123, MeSH D030342.

Allele frequency attached by ClinVar (database versions not stated): gnomAD 0.00003; TOPMed 0.00017; ExAC 0.00024; gnomAD exomes 0.00029.
gnomAD v4.1: 85 of 1,614,070 alleles (0.0053%); highest among the groups gnomAD compares: Admixed American, 0.14%; 1 homozygote.

Submissions (4):

CeGaT Center for Human Genetics Tuebingen
Classification: Likely benign. Last evaluated: 2026-01-01. Review status: criteria provided, single submitter. Criteria: CeGaT Center For Human Genetics Tuebingen Variant Classification Criteria Version 2. Collection method: clinical testing. Allele origin: germline. Affected: yes. Observed: 1 variant allele.
Comment: SH3TC2: BP4

Labcorp Genetics (formerly Invitae), Labcorp
Classification: Likely benign for Charcot-Marie-Tooth disease type 4. Last evaluated: 2025-12-26. Review status: criteria provided, single submitter. Criteria: Invitae Variant Classification Sherloc (09022015). Collection method: clinical testing. Allele origin: germline.

PreventionGenetics, part of Exact Sciences
Classification: Likely benign for SH3TC2-related condition. Last evaluated: 2024-11-06. Review status: criteria provided, single submitter. Criteria: ACMG Guidelines, 2015. Collection method: clinical testing. Allele origin: germline.
Comment: This variant is classified as likely benign based on ACMG/AMP sequence variant interpretation guidelines (Richards et al. 2015 PMID: 25741868, with internal and published modifications).

Ambry Genetics
Classification: Uncertain significance for Inborn genetic diseases. Last evaluated: 2022-07-01. Review status: criteria provided, single submitter. Criteria: Ambry Variant Classification Scheme 2023. Collection method: clinical testing. Allele origin: germline.
Comment: The p.D752N variant (also known as c.2254G>A), located in coding exon 11 of the SH3TC2 gene, results from a G to A substitution at nucleotide position 2254. The aspartic acid at codon 752 is replaced by asparagine, an amino acid with highly similar properties. This amino acid position is well conserved in available vertebrate species; however, asparagine is the reference amino acid in other vertebrate species. In addition, this alteration is predicted to be tolerated by in silico analysis. Since supporting evidence is limited at this time, the clinical significance of this alteration remains unclear.

NM_024577.4(SH3TC2):c.2254G>A (p.Asp752Asn)

Gene: SH3TC2 (SH3 domain and tetratricopeptide repeats 2; minus strand). Cytogenetic location: 5q32.
Variant type: single nucleotide variant.
Coding change: c.2254G>A on transcript NM_024577.4 (MANE Select); coding-DNA position 2254, G replaced by A.
Protein change: p.Asp752Asn; replaces aspartic acid 752 with asparagine.
Molecular consequence: missense variant.
Genome position (GRCh38, 1-based): chr5:149,027,478, C>T on the plus strand (G>A on the coding strand, the complement: SH3TC2 is on the minus strand). VCF-style: chr5-149027478-C-T. GRCh37 (hg19) VCF-style: chr5-148407041-C-T.
Other names: short protein forms D752N.
Identifiers: ClinVar variation 476894 (VCV000476894.18), dbSNP rs749008572, ClinGen allele CA3499038.